The following is an entry in ClinVar:

NM_017654.4(SAMD9):c.3675A>C (p.Lys1225Asn)

Gene: SAMD9 (sterile alpha motif domain containing 9; minus strand). Cytogenetic location: 7q21.2.
Variant type: single nucleotide variant.
Coding change: c.3675A>C on transcript NM_017654.4 (MANE Select); coding-DNA position 3675, A replaced by C.
Protein change: p.Lys1225Asn; replaces lysine 1225 with asparagine.
Molecular consequence: missense variant.
Genome position (GRCh38, 1-based): chr7:93,102,423, T>G on the plus strand (A>C on the coding strand, the complement: SAMD9 is on the minus strand). VCF-style: chr7-93102423-T-G. GRCh37 (hg19) VCF-style: chr7-92731736-T-G.
Other names: c.3675A>C, p.Lys1225Asn (NM_001193307.2); short protein forms K1225N.
Identifiers: ClinVar variation 3437062 (VCV003437062.1).

ClinVar aggregate classification (germline): Uncertain significance (1 of 4 stars; one submission).

Conditions:
Inborn genetic diseases. Identifiers: MedGen C0950123, MeSH D030342.

Submission:

Ambry Genetics
Classification: Uncertain significance for Inborn genetic diseases. Last evaluated: 2024-11-28. Review status: criteria provided, single submitter. Criteria: Ambry Variant Classification Scheme 2023. Collection method: clinical testing. Allele origin: germline.
Comment: The p.K1225N variant (also known as c.3675A>C), located in coding exon 1 of the SAMD9 gene, results from an A to C substitution at nucleotide position 3675. The lysine at codon 1225 is replaced by asparagine, an amino acid with similar properties. This amino acid position is conserved. In addition, this alteration is predicted to be tolerated by in silico analysis. Based on the available evidence, the clinical significance of this variant remains unclear.